The following is an entry in ClinVar:

NM_012309.5(SHANK2):c.4749_4753del (p.Pro1584fs)

Gene: SHANK2 (SH3 and multiple ankyrin repeat domains 2; minus strand). Cytogenetic location: 11q13.3.
Variant type: Deletion.
Coding change: c.4749_4753del on transcript NM_012309.5 (MANE Select); coding-DNA positions 4749 to 4753, 5 bases deleted (GCCCC; older notation c.4749_4753delGCCCC).
Protein change: p.Pro1584fs; shifts the reading frame from proline 1584.
Molecular consequence: frameshift variant.
Genome position (GRCh38, 1-based): chr11:70,485,540-70,485,544, GGGGC deleted on the plus strand (GCCCC on the coding strand, the reverse complement: SHANK2 is on the minus strand); deleting any 5 consecutive bases within chr11:70,485,540-70,485,548 gives the same sequence; the c. name uses the placement nearest the transcript's 3' end. VCF-style (leftmost placement, unchanged base first): chr11-70485539-GGGGGC-G. GRCh37 (hg19) VCF-style: chr11-70331644-GGGGGC-G.
Other names: c.3612_3616del, p.Pro1205fs (NM_001379226.1); c.2985_2989del, p.Pro996fs (NM_133266.5); short protein forms P1205fs, P1584fs, P996fs.
Identifiers: ClinVar variation 1708216 (VCV001708216.2), dbSNP rs2495465726, ClinGen allele CA2580084796.

ClinVar aggregate classification (germline): Pathogenic (1 of 4 stars; one submission).

Conditions:
Rare disease with autism. Identifiers: Orphanet 180772, MedGen C5680471, MONDO:0015878.

Submission:

Genetics Laboratory, UDIAT-Centre Diagnòstic, Hospital Universitari Parc Tauli
Classification: Pathogenic for Rare disease with autism. Last evaluated: 2022-10-04. Review status: criteria provided, single submitter. Criteria: Parc Tauli Hospital Assertion Criteria 2021. Collection method: clinical testing. Allele origin: de novo. Inheritance: Autosomal dominant inheritance. Affected: yes.
Comment: PVS1;PM2_supporting;PM6